The following is an entry in ClinVar:

ClinVar aggregate classification (germline): Uncertain significance. Review status: criteria provided, multiple submitters, no conflicts (2 of 4 stars). 2 submissions from 2 submitters: Uncertain significance (2). Last evaluated 2023-03-01.

Allele frequency attached by ClinVar (database versions not stated): gnomAD exomes 0.00001; ExAC 0.00002; TOPMed 0.00002; ESP Exome Variant Server 0.00008.
gnomAD v4.1: 8 of 1,613,984 alleles (0.0005%); highest among the groups gnomAD compares: Admixed American, 0.0033%; no homozygotes.

Submissions (2):

CeGaT Center for Human Genetics Tuebingen
Classification: Uncertain significance. Last evaluated: 2023-03-01. Review status: criteria provided, single submitter. Criteria: CeGaT Center For Human Genetics Tuebingen Variant Classification Criteria Version 2. Collection method: clinical testing. Allele origin: germline. Affected: yes. Observed: 1 variant allele.
Comment: VPS13C: PM2, BP4

Labcorp Genetics (formerly Invitae), Labcorp
Classification: Uncertain significance. Last evaluated: 2022-04-15. Review status: criteria provided, single submitter. Criteria: Invitae Variant Classification Sherloc (09022015). Collection method: clinical testing. Allele origin: germline.
Comment: In summary, the available evidence is currently insufficient to determine the role of this variant in disease. Therefore, it has been classified as a Variant of Uncertain Significance. Algorithms developed to predict the effect of missense changes on protein structure and function output the following: SIFT: "Tolerated"; PolyPhen-2: "Benign"; Align-GVGD: "Class C0". The isoleucine amino acid residue is found in multiple mammalian species, which suggests that this missense change does not adversely affect protein function. This variant has not been reported in the literature in individuals affected with VPS13C-related conditions. This variant is present in population databases (rs376829284, gnomAD 0.006%). This sequence change replaces valine, which is neutral and non-polar, with isoleucine, which is neutral and non-polar, at codon 1993 of the VPS13C protein (p.Val1993Ile).

NM_020821.3(VPS13C):c.5977G>A (p.Val1993Ile)

Gene: VPS13C (vacuolar protein sorting 13 homolog C; minus strand). Cytogenetic location: 15q22.2.
Variant type: single nucleotide variant.
Coding change: c.5977G>A on transcript NM_020821.3 (MANE Select); coding-DNA position 5977, G replaced by A.
Protein change: p.Val1993Ile; replaces valine 1993 with isoleucine.
Molecular consequence: missense variant.
Genome position (GRCh38, 1-based): chr15:61,931,151, C>T on the plus strand (G>A on the coding strand, the complement: VPS13C is on the minus strand). VCF-style: chr15-61931151-C-T. GRCh37 (hg19) VCF-style: chr15-62223350-C-T.
Other names: c.5848G>A, p.Val1950Ile (NM_017684.5, NM_018080.4); c.5977G>A, p.Val1993Ile (NM_001018088.3); short protein forms V1993I, V1950I.
Identifiers: ClinVar variation 1944744 (VCV001944744.29), dbSNP rs376829284, ClinGen allele CA7595682.
Genomic context (GRCh38, chr15:61,931,151, plus strand): 5'-TCGATGTTGCTCTCTCAATTCCTTCTCTGAGATCATCAAGGGTGCATGTCTTAAGTTTAA[C>T]GCTGACATTCATTGAGCCATCCTTAAACATCTTCCCTGAGGAGGCCATAAGATGTAGTCT-3'
Protein context (NP_065872.1, residues 1983-2003): MFKDGSMNVS[Val1993Ile]KLKTCTLDDL